The following is an entry in ClinVar:

NM_001457.4(FLNB):c.2599C>T (p.His867Tyr)

Gene: FLNB (filamin B; plus strand). Cytogenetic location: 3p14.3.
Variant type: single nucleotide variant.
Coding change: c.2599C>T on transcript NM_001457.4 (MANE Select); coding-DNA position 2599, C replaced by T.
Protein change: p.His867Tyr; replaces histidine 867 with tyrosine.
Molecular consequence: missense variant.
Genome position (GRCh38, 1-based): chr3:58,112,172, C>T. VCF-style: chr3-58112172-C-T. GRCh37 (hg19) VCF-style: chr3-58097899-C-T.
Other names: c.2599C>T, p.His867Tyr (NM_001164317.2, NM_001164318.2, NM_001164319.2); short protein forms H867Y.
Identifiers: ClinVar variation 1949537 (VCV001949537.5), dbSNP rs2471093026, ClinGen allele CA353345785.

ClinVar aggregate classification (germline): Uncertain significance (1 of 4 stars; one submission).

Allele frequency attached by ClinVar (database versions not stated): gnomAD exomes 0.00001.
gnomAD v4.1: 6 of 1,614,166 alleles (0.00037%); highest among the groups gnomAD compares: Non-Finnish European, 0.00051%; no homozygotes.

Submission:

Labcorp Genetics (formerly Invitae), Labcorp
Classification: Uncertain significance. Last evaluated: 2022-12-06. Review status: criteria provided, single submitter. Criteria: Invitae Variant Classification Sherloc (09022015). Collection method: clinical testing. Allele origin: germline.
Comment: This variant has not been reported in the literature in individuals affected with FLNB-related conditions. In summary, the available evidence is currently insufficient to determine the role of this variant in disease. Therefore, it has been classified as a Variant of Uncertain Significance. Advanced modeling of protein sequence and biophysical properties (such as structural, functional, and spatial information, amino acid conservation, physicochemical variation, residue mobility, and thermodynamic stability) performed at Invitae indicates that this missense variant is not expected to disrupt FLNB protein function. This variant is not present in population databases (gnomAD no frequency). This sequence change replaces histidine, which is basic and polar, with tyrosine, which is neutral and polar, at codon 867 of the FLNB protein (p.His867Tyr).